The following is an entry in ClinVar:

NM_001322934.2(NFKB2):c.1175C>T (p.Ala392Val)

Genes: NFKB2 (nuclear factor kappa B subunit 2; plus strand), LOC130004599 (ATAC-STARR-seq lymphoblastoid silent region 2756; plus strand). Cytogenetic location: 10q24.32.
Variant type: single nucleotide variant.
Coding change: c.1175C>T on transcript NM_001322934.2 (MANE Select); coding-DNA position 1175, C replaced by T.
Protein change: p.Ala392Val; replaces alanine 392 with valine.
Molecular consequence: missense variant.
Genome position (GRCh38, 1-based): chr10:102,399,345, C>T. VCF-style: chr10-102399345-C-T. GRCh37 (hg19) VCF-style: chr10-104159102-C-T.
Other names: c.1175C>T, p.Ala392Val (NM_001077494.3, NM_001261403.3, NM_001288724.1 and 1 more transcripts); c.1049C>T, p.Ala350Val (NM_001322935.1); short protein forms A350V, A392V.
Identifiers: ClinVar variation 4810795 (VCV004810795.2).
Genomic context (GRCh38, chr10:102,399,345, plus strand): 5'-CAGGTGGCAGCCTCGGTTTCTTCCCCTCCTCCCTGGCCTACAGCCCCTACCAGTCCGGCG[C>T]GGGCCCCATGGGCTGCTACCCGGGAGGCGGGGGCGGGGCGCAGATGGCCGCCACGGTGCC-3'
Protein context (NP_001309863.1, residues 382-402): SLAYSPYQSG[Ala392Val]GPMGCYPGGG

ClinVar aggregate classification (germline): Conflicting classifications of pathogenicity. Review status: criteria provided, conflicting classifications (1 of 4 stars). 2 submissions from 2 submitters: Uncertain significance (1); Likely benign (1). Last evaluated 2025-12-13.

Conditions:
Immunodeficiency, common variable, 10. Also called: IMMUNODEFICIENCY, COMMON VARIABLE, WITH CENTRAL ADRENAL INSUFFICIENCY; DEFICIT IN ANTERIOR PITUITARY FUNCTION AND VARIABLE IMMUNODEFICIENCY. Identifiers: MedGen C3809991, MONDO:0014260, OMIM 615577.

gnomAD v4.1: 38 of 1,574,368 alleles (0.0024%); highest among the groups gnomAD compares: Non-Finnish European, 0.0029%; no homozygotes.

Submissions (2):

Labcorp Genetics (formerly Invitae), Labcorp
Classification: Uncertain significance for Immunodeficiency, common variable, 10. Last evaluated: 2025-12-13. Review status: criteria provided, single submitter. Criteria: Invitae Variant Classification Sherloc (09022015). Collection method: clinical testing. Allele origin: germline.
Comment: This sequence change replaces alanine, which is neutral and non-polar, with valine, which is neutral and non-polar, at codon 392 of the NFKB2 protein (p.Ala392Val). The frequency data for this variant in the population databases is considered unreliable, as metrics indicate poor data quality at this position in the gnomAD database. This variant has not been reported in the literature in individuals affected with NFKB2-related conditions. An algorithm developed to predict the effect of missense changes on protein structure and function (PolyPhen-2) suggests that this variant is likely to be tolerated. In summary, the available evidence is currently insufficient to determine the role of this variant in disease. Therefore, it has been classified as a Variant of Uncertain Significance.

Blueprint Genetics
Classification: Likely benign. Last evaluated: 2024-10-31. Review status: criteria provided, single submitter. Criteria: ACMG Guidelines, 2015. Collection method: clinical testing. Allele origin: germline.